The following is an entry in ClinVar:

NM_004104.5(FASN):c.3133G>A (p.Gly1045Ser)

Gene: FASN (fatty acid synthase; minus strand). Cytogenetic location: 17q25.3.
Variant type: single nucleotide variant.
Coding change: c.3133G>A on transcript NM_004104.5 (MANE Select); coding-DNA position 3133, G replaced by A.
Protein change: p.Gly1045Ser; replaces glycine 1045 with serine.
Molecular consequence: missense variant.
Genome position (GRCh38, 1-based): chr17:82,087,415, C>T on the plus strand (G>A on the coding strand, the complement: FASN is on the minus strand). VCF-style: chr17-82087415-C-T. GRCh37 (hg19) VCF-style: chr17-80045291-C-T.
Other names: short protein forms G1045S.
Identifiers: ClinVar variation 573864 (VCV000573864.7), dbSNP rs112444332, ClinGen allele CA8852501.

ClinVar aggregate classification (germline): Uncertain significance (1 of 4 stars; one submission).

Conditions:
Epileptic encephalopathy. Identifiers: MedGen C0543888, HP:0200134.

Allele frequency attached by ClinVar (database versions not stated): 1000 Genomes Project 30x 0.00031; TOPMed 0.00003; gnomAD 0.00005; gnomAD exomes 0.00005 and 0.00003; ExAC 0.00003; 1000 Genomes Project 0.00040.
gnomAD v4.1: 57 of 1,612,668 alleles (0.0035%); highest among the groups gnomAD compares: African/African-American, 0.023%; no homozygotes.

Submission:

Labcorp Genetics (formerly Invitae), Labcorp
Classification: Uncertain significance for Epileptic encephalopathy. Last evaluated: 2023-08-10. Review status: criteria provided, single submitter. Criteria: Invitae Variant Classification Sherloc (09022015). Collection method: clinical testing. Allele origin: germline.
Comment: In summary, the available evidence is currently insufficient to determine the role of this variant in disease. Therefore, it has been classified as a Variant of Uncertain Significance. Algorithms developed to predict the effect of missense changes on protein structure and function output the following: SIFT: "Not Available"; PolyPhen-2: "Benign"; Align-GVGD: "Not Available". The serine amino acid residue is found in multiple mammalian species, which suggests that this missense change does not adversely affect protein function. ClinVar contains an entry for this variant (Variation ID: 573864). This variant has not been reported in the literature in individuals affected with FASN-related conditions. This variant is present in population databases (rs112444332, gnomAD 0.01%). This sequence change replaces glycine, which is neutral and non-polar, with serine, which is neutral and polar, at codon 1045 of the FASN protein (p.Gly1045Ser).